The following is an entry in ClinVar:

ClinVar aggregate classification (germline): Likely benign. Review status: criteria provided, single submitter (1 of 4 stars). 2 submissions from 2 submitters: Likely benign (1). 1 of the submissions does not count toward it. Last evaluated 2025-07-14.

Conditions:
TAF15-related disorder. Also called: TAF15-related condition.

gnomAD v4.1: 36 of 1,599,754 alleles (0.0023%); highest among the groups gnomAD compares: Non-Finnish European, 0.003%; no homozygotes.

Submissions (2):

Mayo Clinic Laboratories, Mayo Clinic
Classification: Likely benign. Last evaluated: 2025-07-14. Review status: criteria provided, single submitter. Criteria: ACMG Guidelines, 2015. Collection method: clinical testing. Allele origin: germline. Observed: 2 variant alleles.
Comment: BS2, BP4

PreventionGenetics, part of Exact Sciences
Classification: Uncertain significance for TAF15-related condition. Last evaluated: 2024-07-17. Review status: no assertion criteria provided. Collection method: clinical testing. Allele origin: germline. Not counted in ClinVar's aggregate classification.
Comment: The TAF15 c.1357G>A variant is predicted to result in the amino acid substitution p.Gly453Ser. To our knowledge, this variant has not been reported in the literature. This variant is reported in 0.00099% of alleles in individuals of European (Non-Finnish) descent in gnomAD. At this time, the clinical significance of this variant is uncertain due to the absence of conclusive functional and genetic evidence.

NM_139215.3(TAF15):c.1357G>A (p.Gly453Ser)

Gene: TAF15 (TATA-box binding protein associated factor 15; plus strand). Cytogenetic location: 17q12.
Variant type: single nucleotide variant.
Coding change: c.1357G>A on transcript NM_139215.3 (MANE Select); coding-DNA position 1357, G replaced by A.
Protein change: p.Gly453Ser; replaces glycine 453 with serine.
Molecular consequence: missense variant.
Genome position (GRCh38, 1-based): chr17:35,844,656, G>A. VCF-style: chr17-35844656-G-A. GRCh37 (hg19) VCF-style: chr17-34171660-G-A.
Other names: p.Gly453Ser; c.1348G>A, p.Gly450Ser (NM_003487.4); short protein forms G450S, G453S.
Identifiers: ClinVar variation 3350928 (VCV003350928.2).